The following is an entry in ClinVar:

NM_001182.5(ALDH7A1):c.1241dup (p.Thr415fs)

Gene: ALDH7A1 (aldehyde dehydrogenase 7 family member A1; minus strand). Cytogenetic location: 5q23.2.
Variant type: Duplication.
Coding change: c.1241dup on transcript NM_001182.5 (MANE Select); coding-DNA position 1241, one base duplicated (T; older notation c.1241dupT).
Protein change: p.Thr415fs; shifts the reading frame from threonine 415.
Molecular consequence: frameshift variant.
Genome position (GRCh38, 1-based): chr5:126,552,097, A duplicated on the plus strand (T on the coding strand, the reverse complement: ALDH7A1 is on the minus strand). VCF-style (leftmost placement, unchanged base first): chr5-126552096-C-CA. GRCh37 (hg19) VCF-style: chr5-125887788-C-CA.
Other names: c.1157dup, p.Thr387fs (NM_001201377.2); c.1049dup, p.Thr351fs (NM_001202404.2); short protein forms T415fs, T351fs, T387fs.
Identifiers: ClinVar variation 2805112 (VCV002805112.3), dbSNP rs2480257975, ClinGen allele CA2675067932.
Genomic context (GRCh38, chr5:126,552,096, plus strand): 5'-ATAGAGAATCGGAGCAAAAGTCTCTGTGTGTGCAATGGACGCATCGTGGCCAAGACCTGT[C>CA]ACAATTGTCGGTTCTACATAATTTCCAGGGCGATCCATAACCTAATGCAGAGAAATGAAA-3'

ClinVar aggregate classification (germline): Pathogenic (1 of 4 stars; one submission).

Conditions:
Pyridoxine-dependent epilepsy (EPEO4). Also called: Pyridoxine-Dependent Seizures; PYRIDOXINE DEPENDENCY WITH SEIZURES; EPILEPSY, EARLY-ONSET, 4, VITAMIN B6-DEPENDENT; Pyridoxine-Dependent Epilepsy - ALDH7A1. Identifiers: Orphanet 3006, MedGen C1849508, MONDO:0009945, OMIM 266100. Disease mechanism: loss of function.

Allele frequency attached by ClinVar (database versions not stated): gnomAD exomes below 0.00001.

Submission:

Labcorp Genetics (formerly Invitae), Labcorp
Classification: Pathogenic for Pyridoxine-dependent epilepsy. Last evaluated: 2023-02-23. Review status: criteria provided, single submitter. Criteria: Invitae Variant Classification Sherloc (09022015). Collection method: clinical testing. Allele origin: germline.
Comment: This variant has not been reported in the literature in individuals affected with ALDH7A1-related conditions. This variant is not present in population databases (gnomAD no frequency). This sequence change creates a premature translational stop signal (p.Thr415Aspfs*23) in the ALDH7A1 gene. It is expected to result in an absent or disrupted protein product. Loss-of-function variants in ALDH7A1 are known to be pathogenic (PMID: 16491085, 20554659). For these reasons, this variant has been classified as Pathogenic.

Literature cited by the submitters: PubMed 16491085; PubMed 20554659.